The following is an entry in ClinVar:

ClinVar aggregate classification (germline): Uncertain significance (1 of 4 stars; one submission).

Submission:

GeneDx
Classification: Uncertain significance. Last evaluated: 2024-09-17. Review status: criteria provided, single submitter. Criteria: GeneDx Variant Classification Process June 2021. Collection method: clinical testing. Allele origin: germline. Affected: yes.
Comment: Not observed at significant frequency in large population cohorts (gnomAD); In silico analysis supports that this missense variant has a deleterious effect on protein structure/function; Has not been previously published as pathogenic or benign to our knowledge

NM_002506.3(NGF):c.253C>G (p.Pro85Ala)

Genes: NGF (nerve growth factor; minus strand), NGF-AS1 (NGF antisense RNA 1; plus strand). Cytogenetic location: 1p13.2.
Variant type: single nucleotide variant.
Coding change: c.253C>G on transcript NM_002506.3 (MANE Select); coding-DNA position 253, C replaced by G.
Protein change: p.Pro85Ala; replaces proline 85 with alanine.
Molecular consequence: missense variant.
Genome position (GRCh38, 1-based): chr1:115,286,543, G>C on the plus strand (C>G on the coding strand, the complement: NGF is on the minus strand). VCF-style: chr1-115286543-G-C. GRCh37 (hg19) VCF-style: chr1-115829164-G-C.
Other names: short protein forms P85A.
Identifiers: ClinVar variation 3769793 (VCV003769793.1).